The following is an entry in ClinVar:

NM_006642.5(SDCCAG8):c.1986-4C>G

Genes: AKT3 (AKT serine/threonine kinase 3; minus strand), SDCCAG8 (SHH signaling and ciliogenesis regulator SDCCAG8; plus strand). Cytogenetic location: 1q43.
Variant type: single nucleotide variant.
Coding change: c.1986-4C>G on transcript NM_006642.5 (MANE Select); 4 bases into the intron before coding-DNA position 1986, C replaced by G.
Molecular consequence: intron variant.
Genome position (GRCh38, 1-based): chr1:243,489,010, C>G. VCF-style: chr1-243489010-C-G. GRCh37 (hg19) VCF-style: chr1-243652312-C-G.
Other names: c.1692-4C>G (NM_001350249.2); c.1083-4C>G (NM_001350251.2, NM_001350246.2, NM_001350247.2); c.2082-4C>G (NM_001350248.2); c.*7-560G>C (NM_181690.2).
Identifiers: ClinVar variation 4985343 (VCV004985343.1).

ClinVar aggregate classification (germline): Likely benign (1 of 4 stars; one submission).

Conditions:
SDCCAG8-related disorder. Also called: SDCCAG8-Related Disorders; SDCCAG8-related condition.

gnomAD v4.1: 4 of 1,613,254 alleles (0.00025%); highest among the groups gnomAD compares: Non-Finnish European, 0.00034%; no homozygotes.

Submission:

PreventionGenetics, part of Exact Sciences
Classification: Likely benign for SDCCAG8-related condition. Last evaluated: 2025-01-22. Review status: criteria provided, single submitter. Criteria: ACMG Guidelines, 2015. Collection method: clinical testing. Allele origin: germline.
Comment: This variant is classified as likely benign based on ACMG/AMP sequence variant interpretation guidelines (Richards et al. 2015 PMID: 25741868, with internal and published modifications).